The following is an entry in ClinVar:

NM_173630.4(RTTN):c.6207A>T (p.Lys2069Asn)

Gene: RTTN (rotatin; minus strand). Cytogenetic location: 18q22.2.
Variant type: single nucleotide variant.
Coding change: c.6207A>T on transcript NM_173630.4 (MANE Select); coding-DNA position 6207, A replaced by T.
Protein change: p.Lys2069Asn; replaces lysine 2069 with asparagine.
Molecular consequence: missense variant.
Genome position (GRCh38, 1-based): chr18:70,017,621, T>A on the plus strand (A>T on the coding strand, the complement: RTTN is on the minus strand). VCF-style: chr18-70017621-T-A. GRCh37 (hg19) VCF-style: chr18-67684857-T-A.
Other names: c.3471A>T, p.Lys1157Asn (NM_001318520.2); short protein forms K1157N, K2069N.
Identifiers: ClinVar variation 3713570 (VCV003713570.2).

ClinVar aggregate classification (germline): Uncertain significance (1 of 4 stars; one submission).

gnomAD v4.1: 7 of 1,613,760 alleles (0.00043%); highest among the groups gnomAD compares: East Asian, 0.0022%; no homozygotes.

Submission:

Labcorp Genetics (formerly Invitae), Labcorp
Classification: Uncertain significance. Last evaluated: 2024-06-17. Review status: criteria provided, single submitter. Criteria: Invitae Variant Classification Sherloc (09022015). Collection method: clinical testing. Allele origin: germline.
Comment: This sequence change replaces lysine, which is basic and polar, with asparagine, which is neutral and polar, at codon 2069 of the RTTN protein (p.Lys2069Asn). This variant is not present in population databases (gnomAD no frequency). This variant has not been reported in the literature in individuals affected with RTTN-related conditions. Advanced modeling of protein sequence and biophysical properties (such as structural, functional, and spatial information, amino acid conservation, physicochemical variation, residue mobility, and thermodynamic stability) performed at Invitae indicates that this missense variant is expected to disrupt RTTN protein function with a positive predictive value of 80%. In summary, the available evidence is currently insufficient to determine the role of this variant in disease. Therefore, it has been classified as a Variant of Uncertain Significance.